The following is an entry in ClinVar:

NM_020975.6(RET):c.2416T>C (p.Tyr806His)

Gene: RET (ret proto-oncogene; plus strand). Cytogenetic location: 10q11.21.
Variant type: single nucleotide variant.
Coding change: c.2416T>C on transcript NM_020975.6 (MANE Select); coding-DNA position 2416, T replaced by C.
Protein change: p.Tyr806His; replaces tyrosine 806 with histidine.
Molecular consequence: missense variant.
Genome position (GRCh38, 1-based): chr10:43,119,554, T>C. VCF-style: chr10-43119554-T-C. GRCh37 (hg19) VCF-style: chr10-43615002-T-C.
Other names: c.2416T>C, p.Tyr806His (NM_000323.2, NM_001406743.1, NM_001406744.1 and 4 more transcripts); c.1654T>C, p.Tyr552His (NM_001355216.2); c.2287T>C, p.Tyr763His (NM_001406761.1, NM_001406762.1, NM_001406764.1); c.2281T>C, p.Tyr761His (NM_001406763.1, NM_001406765.1); c.2128T>C, p.Tyr710His (NM_001406766.1, NM_001406767.1, NM_001406770.1); c.2152T>C, p.Tyr718His (NM_001406768.1); c.2020T>C, p.Tyr674His (NM_001406769.1, NM_001406772.1); c.1978T>C, p.Tyr660His (NM_001406771.1, NM_001406773.1); and 10 more; short protein forms Y552H, Y806H, Y323H, Y462H, Y674H, Y718H, Y761H, Y660H.
Identifiers: ClinVar variation 1026781 (VCV001026781.10), dbSNP rs1838154415, ClinGen allele CA376556071.
Genomic context (GRCh38, chr10:43,119,554, plus strand): 5'-GACCCGCACGCCCAGGGCCCCCTCTCTCCGCCCCCAGGCCCGCTCCTCCTCATCGTGGAG[T>C]ACGCCAAATACGGCTCCCTGCGGGGCTTCCTCCGCGAGAGCCGCAAAGTGGGGCCTGGCT-3'
Protein context (NP_066124.1, residues 796-816): QDGPLLLIVE[Tyr806His]AKYGSLRGFL

ClinVar aggregate classification (germline): Uncertain significance. Review status: criteria provided, multiple submitters, no conflicts (2 of 4 stars). 2 submissions from 2 submitters: Uncertain significance (2). Last evaluated 2022-04-26.

Conditions:
Hereditary cancer-predisposing syndrome. Also called: Neoplastic Syndromes, Hereditary; Tumor predisposition; Hereditary Cancer Syndrome; Hereditary neoplastic syndrome. Identifiers: Orphanet 140162, MedGen C0027672, MeSH D009386, MONDO:0015356.
Multiple endocrine neoplasia, type 2 (MEN2). Identifiers: Orphanet 653, MedGen C4048306, MONDO:0019003. Disease mechanism: gain of function.

Allele frequency attached by ClinVar (database versions not stated): gnomAD exomes below 0.00001.

Submissions (2):

Ambry Genetics
Classification: Uncertain significance for Hereditary cancer-predisposing syndrome. Last evaluated: 2022-04-26. Review status: criteria provided, single submitter. Criteria: Ambry Variant Classification Scheme 2023. Collection method: clinical testing. Allele origin: germline.
Comment: The p.Y806H variant (also known as c.2416T>C), located in coding exon 14 of the RET gene, results from a T to C substitution at nucleotide position 2416. The tyrosine at codon 806 is replaced by histidine, an amino acid with similar properties. This amino acid position is conserved. In addition, this alteration is predicted to be deleterious by in silico analysis. Since supporting evidence is limited at this time, the clinical significance of this alteration remains unclear.

Labcorp Genetics (formerly Invitae), Labcorp
Classification: Uncertain significance for Multiple endocrine neoplasia, type 2. Last evaluated: 2021-09-03. Review status: criteria provided, single submitter. Criteria: Invitae Variant Classification Sherloc (09022015). Collection method: clinical testing. Allele origin: germline.
Comment: This variant has not been reported in the literature in individuals affected with RET-related conditions. This sequence change replaces tyrosine with histidine at codon 806 of the RET protein (p.Tyr806His). The tyrosine residue is highly conserved and there is a moderate physicochemical difference between tyrosine and histidine. This variant is not present in population databases (ExAC no frequency). Algorithms developed to predict the effect of missense changes on protein structure and function are either unavailable or do not agree on the potential impact of this missense change (SIFT: "Deleterious"; PolyPhen-2: "Probably Damaging"; Align-GVGD: "Class C0"). In summary, the available evidence is currently insufficient to determine the role of this variant in disease. Therefore, it has been classified as a Variant of Uncertain Significance.